The following is an entry in ClinVar:

ClinVar aggregate classification (germline): Conflicting classifications of pathogenicity. Review status: criteria provided, conflicting classifications (1 of 4 stars). 10 submissions from 10 submitters: Uncertain significance (2); Benign (5); Likely benign (3). Last evaluated 2026-02-04.

Conditions:
Maturity-onset diabetes of the young (MODY). Also called: Maturity onset diabetes mellitus in young. Identifiers: Orphanet 552, MedGen C0342276, MONDO:0018911, HP:0004904.
Renal cysts and diabetes syndrome (RCAD). Also called: MATURITY-ONSET DIABETES OF THE YOUNG, TYPE 5; Familial hypoplastic, glomerulocystic kidney. Identifiers: Orphanet 93111, MedGen C0431693, MONDO:0007669, OMIM 137920.

Allele frequency attached by ClinVar (database versions not stated): ESP Exome Variant Server 0.00054; 1000 Genomes Project 30x 0.00078; 1000 Genomes Project 0.00080; gnomAD 0.00097 and 0.00098; TOPMed 0.00104; gnomAD exomes 0.00113 and 0.00114; ExAC 0.00185.
gnomAD v4.1: 1,804 of 1,604,964 alleles (0.11%); highest among the groups gnomAD compares: Admixed American, 0.22%; 1 homozygote.

Submissions (10):

Labcorp Genetics (formerly Invitae), Labcorp
Classification: Benign. Last evaluated: 2026-02-04. Review status: criteria provided, single submitter. Criteria: Invitae Variant Classification Sherloc (09022015). Collection method: clinical testing. Allele origin: germline.

CeGaT Center for Human Genetics Tuebingen
Classification: Benign. Last evaluated: 2026-02-01. Review status: criteria provided, single submitter. Criteria: CeGaT Center For Human Genetics Tuebingen Variant Classification Criteria Version 2. Collection method: clinical testing. Allele origin: germline. Affected: yes. Observed: 3 variant alleles.
Comment: HNF1B: BS1, BS2

Mayo Clinic Laboratories, Mayo Clinic
Classification: Likely benign. Last evaluated: 2025-01-02. Review status: criteria provided, single submitter. Criteria: ACMG Guidelines, 2015. Collection method: clinical testing. Allele origin: germline. Observed: 1 variant allele.
Comment: BS1, BP4, BP7

Blueprint Genetics
Classification: Likely benign. Last evaluated: 2024-11-27. Review status: criteria provided, single submitter. Criteria: ACMG Guidelines, 2015. Collection method: clinical testing. Allele origin: germline.

ARUP Laboratories, Molecular Genetics and Genomics, ARUP Laboratories
Classification: Benign. Last evaluated: 2022-03-31. Review status: criteria provided, single submitter. Criteria: ARUP Molecular Germline Variant Investigation Process 2021. Collection method: clinical testing. Allele origin: germline.

Illumina Laboratory Services, Illumina
Classification: Benign for Renal cysts and diabetes syndrome. Last evaluated: 2018-01-13. Review status: criteria provided, single submitter. Criteria: ICSL Variant Classification Criteria 13 December 2019. Collection method: clinical testing. Allele origin: germline.
Comment: This variant was observed in the ICSL laboratory as part of a predisposition screen in an ostensibly healthy population. It had not been previously curated by ICSL or reported in the Human Gene Mutation Database (HGMD: prior to June 1st, 2018), and was therefore a candidate for classification through an automated scoring system. Utilizing variant allele frequency, disease prevalence and penetrance estimates, and inheritance mode, an automated score was calculated to assess if this variant is too frequent to cause the disease. Based on the score and internal cut-off values, a variant classified as benign is not then subjected to further curation. The score for this variant resulted in a classification of benign for this disease.

Athena Diagnostics
Classification: Benign. Last evaluated: 2017-04-11. Review status: criteria provided, single submitter. Criteria: Athena Diagnostics Criteria. Collection method: clinical testing. Allele origin: germline.

GeneDx
Classification: Likely benign. Last evaluated: 2016-10-04. Review status: criteria provided, single submitter. Criteria: GeneDx Variant Classification (06012015). Collection method: clinical testing. Allele origin: germline. Affected: yes.
Comment: This variant is considered likely benign or benign based on one or more of the following criteria: it is a conservative change, it occurs at a poorly conserved position in the protein, it is predicted to be benign by multiple in silico algorithms, and/or has population frequency not consistent with disease.

Women's Health and Genetics/Laboratory Corporation of America, LabCorp
Classification: Uncertain significance for MODY5. Last evaluated: 2011-08-18. Review status: criteria provided, single submitter. Criteria: LabCorp Variant Classification Summary - May 2015. Collection method: curation, clinical testing. Allele origin: germline. Inheritance: autosomal unknown. Affected: yes.
ClinVar note: Converted during submission from uncertain to Uncertain significance.

Clinical Genomics, Uppaluri K&H Personalized Medicine Clinic
Classification: Uncertain significance for Maturity-onset diabetes of the young. Review status: criteria provided, single submitter. Criteria: K & H Uppaluri Personalized Medicine Clinic Variant Classification & Assertion Criteria_Updated V.1. Collection method: research. Allele origin: unknown. Inheritance: Autosomal dominant inheritance.
Comment: HNF1B gene mutations are associated with early onset diabetes and pancreatic atrophy. It is also associated with multiple renal manifestations including renal cysts, Tubulointerstitial disease, glomerulocystic disease, renal hypoplasia, hypomagnesemia. However no sufficient evidence is found to ascertain the role of this particular variant rs141166864, yet.

Literature cited by the submitters: PubMed 30666461 (cited by Mayo Clinic Laboratories, Mayo Clinic); PubMed 24897035 (cited by Clinical Genomics, Uppaluri K&H Personalized Medicine Clinic); PubMed 25536396 (cited by Clinical Genomics, Uppaluri K&H Personalized Medicine Clinic); PubMed 27615128 (cited by Clinical Genomics, Uppaluri K&H Personalized Medicine Clinic); PubMed 28215227 (cited by Clinical Genomics, Uppaluri K&H Personalized Medicine Clinic); PubMed 33434175 (cited by Clinical Genomics, Uppaluri K&H Personalized Medicine Clinic); PubMed 25741167 (cited by Clinical Genomics, Uppaluri K&H Personalized Medicine Clinic); PubMed 26340261 (cited by Clinical Genomics, Uppaluri K&H Personalized Medicine Clinic); PubMed 19639018 (cited by Clinical Genomics, Uppaluri K&H Personalized Medicine Clinic).

NM_000458.4(HNF1B):c.1045+12T>C

Gene: HNF1B (HNF1 homeobox B; minus strand). Cytogenetic location: 17q12.
Variant type: single nucleotide variant.
Coding change: c.1045+12T>C on transcript NM_000458.4 (MANE Select); 12 bases into the intron after coding-DNA position 1045, T replaced by C.
Molecular consequence: intron variant.
Genome position (GRCh38, 1-based): chr17:37,731,583, A>G on the plus strand (T>C on the coding strand, the complement: HNF1B is on the minus strand). VCF-style: chr17-37731583-A-G. GRCh37 (hg19) VCF-style: chr17-36091574-A-G.
Other names: p.?; c.967+12T>C (NM_001304286.2, NM_001165923.4).
Identifiers: ClinVar variation 36838 (VCV000036838.25), dbSNP rs141166864, ClinGen allele CA214345.